The following is an entry in ClinVar:

ClinVar aggregate classification (germline): Uncertain significance (1 of 4 stars; one submission).

Submission:

GeneDx
Classification: Uncertain significance. Last evaluated: 2019-03-26. Review status: criteria provided, single submitter. Criteria: GeneDx Variant Classification Process June 2021. Collection method: clinical testing. Allele origin: germline. Affected: yes.
Comment: Not observed in large population cohorts (Lek et al., 2016); Frameshift variant predicted to result in protein truncation or nonsense mediated decay in a gene for which loss-of-function is not a known mechanism of disease; Has not been previously published as pathogenic or benign to our knowledge

NM_004958.4(MTOR):c.4414del (p.Asp1472fs)

Gene: MTOR (mechanistic target of rapamycin kinase; minus strand). Cytogenetic location: 1p36.22.
Variant type: Deletion.
Coding change: c.4414del on transcript NM_004958.4 (MANE Select); coding-DNA position 4414, one base deleted (G; older notation c.4414delG).
Protein change: p.Asp1472fs; shifts the reading frame from aspartic acid 1472.
Molecular consequence: frameshift variant.
Genome position (GRCh38, 1-based): chr1:11,157,207, C deleted on the plus strand (G on the coding strand, the reverse complement: MTOR is on the minus strand); the first of 2 consecutive C bases (chr1:11,157,207-11,157,208); deleting either gives the same sequence. VCF-style (leftmost placement, unchanged base first): chr1-11157206-TC-T. GRCh37 (hg19) VCF-style: chr1-11217263-TC-T.
Other names: c.4414del, p.Asp1472fs (NM_001386500.1); c.3166del, p.Asp1056fs (NM_001386501.1); short protein forms D1056fs, D1472fs.
Identifiers: ClinVar variation 1308319 (VCV001308319.2), dbSNP rs2100567609, ClinGen allele CA2573051342.